The following is an entry in ClinVar:

NM_001429.4(EP300):c.2872A>G (p.Ser958Gly)

Genes: EP300 (EP300 lysine acetyltransferase; plus strand), LOC126863158 (BRD4-independent group 4 enhancer GRCh37_chr22:41547383-41548582; plus strand). Cytogenetic location: 22q13.2.
Variant type: single nucleotide variant.
Coding change: c.2872A>G on transcript NM_001429.4 (MANE Select); coding-DNA position 2872, A replaced by G.
Protein change: p.Ser958Gly; replaces serine 958 with glycine.
Molecular consequence: missense variant.
Genome position (GRCh38, 1-based): chr22:41,151,887, A>G. VCF-style: chr22-41151887-A-G. GRCh37 (hg19) VCF-style: chr22-41547891-A-G.
Other names: c.2794A>G, p.Ser932Gly (NM_001362843.2); short protein forms S932G, S958G.
Identifiers: ClinVar variation 2634618 (VCV002634618.4), dbSNP rs368761748, ClinGen allele CA10252983.

ClinVar aggregate classification (germline): Uncertain significance. Review status: criteria provided, multiple submitters, no conflicts (2 of 4 stars). 2 submissions from 2 submitters: Uncertain significance (2). Last evaluated 2023-10-16.

Conditions:
Rubinstein-Taybi syndrome due to EP300 haploinsufficiency. Also called: EP300-Related Rubinstein-Taybi Syndrome; RUBINSTEIN-TAYBI SYNDROME 2. Identifiers: Orphanet 353284, Orphanet 783, MedGen C3150941, MONDO:0013364, OMIM 613684.
EP300-related disorder. Also called: EP300-related condition; EP300-related disorders.

Allele frequency attached by ClinVar (database versions not stated): TOPMed 0.00002; ExAC 0.00003; gnomAD 0.00003; ESP Exome Variant Server 0.00008; gnomAD exomes 0.00011.
gnomAD v4.1: 164 of 1,613,962 alleles (0.01%); highest among the groups gnomAD compares: Non-Finnish European, 0.014%; no homozygotes.

Submissions (2):

Labcorp Genetics (formerly Invitae), Labcorp
Classification: Uncertain significance for Rubinstein-Taybi syndrome due to EP300 haploinsufficiency. Last evaluated: 2023-10-16. Review status: criteria provided, single submitter. Criteria: Invitae Variant Classification Sherloc (09022015). Collection method: clinical testing. Allele origin: germline.
Comment: This sequence change replaces serine, which is neutral and polar, with glycine, which is neutral and non-polar, at codon 958 of the EP300 protein (p.Ser958Gly). This variant is present in population databases (rs368761748, gnomAD 0.004%). This variant has not been reported in the literature in individuals affected with EP300-related conditions. Advanced modeling of protein sequence and biophysical properties (such as structural, functional, and spatial information, amino acid conservation, physicochemical variation, residue mobility, and thermodynamic stability) performed at Invitae indicates that this missense variant is not expected to disrupt EP300 protein function. In summary, the available evidence is currently insufficient to determine the role of this variant in disease. Therefore, it has been classified as a Variant of Uncertain Significance.

PreventionGenetics, part of Exact Sciences
Classification: Uncertain significance for EP300-related condition. Last evaluated: 2022-08-31. Review status: criteria provided, single submitter. Criteria: ACMG Guidelines, 2015. Collection method: clinical testing. Allele origin: germline.
Comment: The EP300 c.2872A>G variant is predicted to result in the amino acid substitution p.Ser958Gly. To our knowledge, this variant has not been reported in the literature. This variant is reported in 0.0035% of alleles in individuals of European (Non-Finnish) descent in gnomAD. At this time, the clinical significance of this variant is uncertain due to the absence of conclusive functional and genetic evidence.